The following is an entry in ClinVar:

ClinVar aggregate classification (germline): Pathogenic (1 of 4 stars; one submission).

Conditions:
Early-infantile DEE. Also called: Early infantile epileptic encephalopathy with suppression bursts; Early infantile epileptic encephalopathy; Ohtahara syndrome. Identifiers: Orphanet 1934, MedGen C0393706, MONDO:0800491.

Submission:

Labcorp Genetics (formerly Invitae), Labcorp
Classification: Pathogenic for Early-infantile DEE. Last evaluated: 2021-04-28. Review status: criteria provided, single submitter. Criteria: Invitae Variant Classification Sherloc (09022015). Collection method: clinical testing. Allele origin: germline.
Comment: This sequence change creates a premature translational stop signal (p.Gln954Serfs*35) in the SPTAN1 gene. It is expected to result in an absent or disrupted protein product. Loss-of-function variants in SPTAN1 are known to be pathogenic (PMID: 31332438, 33206935). This variant is not present in population databases (ExAC no frequency). This variant has not been reported in the literature in individuals with SPTAN1-related conditions. For these reasons, this variant has been classified as Pathogenic.

Literature cited by the submitters: PubMed 31332438; PubMed 33206935.

NM_001130438.3(SPTAN1):c.2860del (p.Gln954fs)

Gene: SPTAN1 (spectrin alpha, non-erythrocytic 1; plus strand). Cytogenetic location: 9q34.11.
Variant type: Deletion.
Coding change: c.2860del on transcript NM_001130438.3 (MANE Select); coding-DNA position 2860, one base deleted (C; older notation c.2860delC).
Protein change: p.Gln954fs; shifts the reading frame from glutamine 954.
Molecular consequence: frameshift variant.
Genome position (GRCh38, 1-based): chr9:128,587,687, C deleted. VCF-style (leftmost placement, unchanged base first): chr9-128587686-AC-A. GRCh37 (hg19) VCF-style: chr9-131349965-AC-A.
Other names: c.2860del, p.Gln954fs (NM_001195532.2, NM_001363759.2, NM_001363765.2 and 5 more transcripts); c.2896del, p.Gln966fs (NM_001375312.2, NM_001375318.1); short protein forms Q954fs, Q966fs.
Identifiers: ClinVar variation 1360796 (VCV001360796.7), dbSNP rs2131239154, ClinGen allele CA2573143925.